The following is an entry in ClinVar:

ClinVar aggregate classification (germline): Likely pathogenic (1 of 4 stars; one submission).

Allele frequency attached by ClinVar (database versions not stated): gnomAD exomes below 0.00001.
gnomAD v4.1: 30 of 1,614,092 alleles (0.0019%); highest among the groups gnomAD compares: Non-Finnish European, 0.0023%; no homozygotes.

Submission:

GeneDx
Classification: Likely pathogenic. Last evaluated: 2016-05-11. Review status: criteria provided, single submitter. Criteria: GeneDx Variant Classification (06012015). Collection method: clinical testing. Allele origin: germline. Affected: yes.
Comment: The T118I variant in the KRT14 gene has not been reported previously as a pathogenic variant, nor as a benign variant, to our knowledge. The T118I variant was not observed in approximately 6,500 individuals of European and African American ancestry in the NHLBI Exome Sequencing Project, indicating it is not a common benign variant in these populations. The T118I variant is a non-conservative amino acid substitution, which occurs at a position within a known functional domain required for proper alignment of the keratin proteins into dimers. In silico analysis predicts this variant is probably damaging to the protein structure/function. In addition, numerous missense variants in nearby residues (K116E, K116N, M119I, M119T, M119V, Q120R, L122F, L122V, N123K, N123S) have been reported in the Human Gene Mutation Database in association with KRT14-related epidermolysis bullosa (Stenson et al., 2014), supporting the functional importance of this region of the protein. Therefore, we interpret T118I as a strong candidate for a pathogenic variant; however, the possibility it may be a rare benign variant cannot be excluded.

NM_000526.5(KRT14):c.353C>T (p.Thr118Ile)

Gene: KRT14 (keratin 14; minus strand). Cytogenetic location: 17q21.2.
Variant type: single nucleotide variant.
Coding change: c.353C>T on transcript NM_000526.5 (MANE Select); coding-DNA position 353, C replaced by T.
Protein change: p.Thr118Ile; replaces threonine 118 with isoleucine.
Molecular consequence: missense variant.
Genome position (GRCh38, 1-based): chr17:41,586,482, G>A on the plus strand (C>T on the coding strand, the complement: KRT14 is on the minus strand). VCF-style: chr17-41586482-G-A. GRCh37 (hg19) VCF-style: chr17-39742734-G-A.
Other names: short protein forms T118I.
Identifiers: ClinVar variation 421214 (VCV000421214.2), dbSNP rs1064794983, ClinGen allele CA16620405.